The following is an entry in ClinVar:

ClinVar aggregate classification (germline): Likely benign (1 of 4 stars; one submission).

Conditions:
Arrhythmogenic cardiomyopathy with wooly hair and keratoderma. Also called: Carvajal syndrome; PALMOPLANTAR KERATODERMA WITH LEFT VENTRICULAR CARDIOMYOPATHY AND WOOLLY HAIR; Dilated cardiomyopathy with woolly hair and keratoderma; Arrhythmogenic cardiomyopathy with woolly hair and keratoderma. Identifiers: Orphanet 65282, MedGen C1854063, MONDO:0011581, OMIM 605676.

Submission:

All of Us Research Program, National Institutes of Health
Classification: Likely benign for Arrhythmogenic cardiomyopathy with wooly hair and keratoderma. Last evaluated: 2024-05-30. Review status: criteria provided, single submitter. Criteria: ACMG Guidelines, 2015. Collection method: clinical testing. Allele origin: germline. Inheritance: Autosomal dominant inheritance. Observed: 1 variant allele, 1 heterozygote.
Comment: This study involves interpretation of variants in research participants for the purpose of population health screening. Participant phenotype was not available at the time of variant classification. Additional details can be found in publication PMID: 35346344, PMCID: PMC8962531

NM_004415.4(DSP):c.1524G>T (p.Val508=)

Gene: DSP (desmoplakin; plus strand). Cytogenetic location: 6p24.3.
Variant type: single nucleotide variant.
Coding change: c.1524G>T on transcript NM_004415.4 (MANE Select); coding-DNA position 1524, G replaced by T.
Protein change: p.Val508=; no amino-acid change (valine 508 retained).
Molecular consequence: synonymous variant.
Genome position (GRCh38, 1-based): chr6:7,569,290, G>T. VCF-style: chr6-7569290-G-T. GRCh37 (hg19) VCF-style: chr6-7569523-G-T.
Other names: c.1524G>T, p.Val508= (NM_001008844.3, NM_001319034.2).
Identifiers: ClinVar variation 3386634 (VCV003386634.1).